The following is an entry in ClinVar:

ClinVar aggregate classification (germline): Uncertain significance. Review status: criteria provided, multiple submitters, no conflicts (2 of 4 stars). 2 submissions from 2 submitters: Uncertain significance (2). Last evaluated 2022-05-10.

Submissions (2):

Labcorp Genetics (formerly Invitae), Labcorp
Classification: Uncertain significance. Last evaluated: 2022-05-10. Review status: criteria provided, single submitter. Criteria: Invitae Variant Classification Sherloc (09022015). Collection method: clinical testing. Allele origin: germline.
Comment: In summary, the available evidence is currently insufficient to determine the role of this variant in disease. Therefore, it has been classified as a Variant of Uncertain Significance. Algorithms developed to predict the effect of missense changes on protein structure and function are either unavailable or do not agree on the potential impact of this missense change (SIFT: "Tolerated"; PolyPhen-2: "Probably Damaging"; Align-GVGD: "Class C0"). ClinVar contains an entry for this variant (Variation ID: 1256098). This variant has not been reported in the literature in individuals affected with MYH9-related conditions. This variant is not present in population databases (gnomAD no frequency). This sequence change replaces asparagine, which is neutral and polar, with serine, which is neutral and polar, at codon 667 of the MYH9 protein (p.Asn667Ser).

Athena Diagnostics
Classification: Uncertain significance. Last evaluated: 2022-01-18. Review status: criteria provided, single submitter. Criteria: Athena Diagnostics Criteria. Collection method: clinical testing. Allele origin: unknown.

NM_002473.6(MYH9):c.2000A>G (p.Asn667Ser)

Gene: MYH9 (myosin heavy chain 9; minus strand). Cytogenetic location: 22q12.3.
Variant type: single nucleotide variant.
Coding change: c.2000A>G on transcript NM_002473.6 (MANE Select); coding-DNA position 2000, A replaced by G.
Protein change: p.Asn667Ser; replaces asparagine 667 with serine.
Molecular consequence: missense variant.
Genome position (GRCh38, 1-based): chr22:36,306,451, T>C on the plus strand (A>G on the coding strand, the complement: MYH9 is on the minus strand). VCF-style: chr22-36306451-T-C. GRCh37 (hg19) VCF-style: chr22-36702497-T-C.
Other names: short protein forms N667S.
Identifiers: ClinVar variation 1256098 (VCV001256098.7), dbSNP rs575821361, ClinGen allele CA411397751.